The following is an entry in ClinVar:

NM_025137.4(SPG11):c.4577C>T (p.Thr1526Ile)

Gene: SPG11 (SPG11 vesicle trafficking associated, spatacsin; minus strand). Cytogenetic location: 15q21.1.
Variant type: single nucleotide variant.
Coding change: c.4577C>T on transcript NM_025137.4 (MANE Select); coding-DNA position 4577, C replaced by T.
Protein change: p.Thr1526Ile; replaces threonine 1526 with isoleucine.
Molecular consequence: missense variant.
Genome position (GRCh38, 1-based): chr15:44,595,317, G>A on the plus strand (C>T on the coding strand, the complement: SPG11 is on the minus strand). VCF-style: chr15-44595317-G-A. GRCh37 (hg19) VCF-style: chr15-44887515-G-A.
Other names: c.4577C>T, p.Thr1526Ile (NM_001160227.2, NM_001411132.1); short protein forms T1526I.
Identifiers: ClinVar variation 3689623 (VCV003689623.2).
Genomic context (GRCh38, chr15:44,595,317, plus strand): 5'-ACCTTAAAGAAAAGCTGGAAACCTCTGATGAGAGTTTTGCTCTTTTGTCTTGTTAATAAT[G>A]TTCTCCAGATGACTGAAAGATCCTCAAGGTTCCAGGTATGGTCCTCTGTTGAGTCCTGAA-3'
Protein context (NP_079413.3, residues 1516-1536): NLEDLSVIWR[Thr1526Ile]LLTRQKSKTL

ClinVar aggregate classification (germline): Uncertain significance (1 of 4 stars; one submission).

Conditions:
Hereditary spastic paraplegia 11. Also called: Spastic paraplegia, mental retardation and thin corpus callosum; SPASTIC PARAPLEGIA, AUTOSOMAL RECESSIVE, COMPLICATED, WITH THIN CORPUS CALLOSUM; SPASTIC PARAPLEGIA, AUTOSOMAL RECESSIVE, WITH MENTAL IMPAIRMENT AND THIN CORPUS CALLOSUM; Spastic Paraplegia 11; Nakamura Osame syndrome; Autosomal recessive hereditary spastic paraplegia, mental impairment, and thin corpus callosum. Identifiers: Orphanet 2822, MedGen C1858479, MONDO:0011445, OMIM 604360.

Submission:

Labcorp Genetics (formerly Invitae), Labcorp
Classification: Uncertain significance for Hereditary spastic paraplegia 11. Last evaluated: 2025-09-09. Review status: criteria provided, single submitter. Criteria: Invitae Variant Classification Sherloc (09022015). Collection method: clinical testing. Allele origin: germline.
Comment: This sequence change replaces threonine, which is neutral and polar, with isoleucine, which is neutral and non-polar, at codon 1526 of the SPG11 protein (p.Thr1526Ile). This variant is not present in population databases (gnomAD no frequency). This variant has not been reported in the literature in individuals affected with SPG11-related conditions. ClinVar contains an entry for this variant (Variation ID: 3689623). Invitae Evidence Modeling of protein sequence and biophysical properties (such as structural, functional, and spatial information, amino acid conservation, physicochemical variation, residue mobility, and thermodynamic stability) indicates that this missense variant is not expected to disrupt SPG11 protein function with a negative predictive value of 80%. In summary, the available evidence is currently insufficient to determine the role of this variant in disease. Therefore, it has been classified as a Variant of Uncertain Significance.